The following is an entry in ClinVar:

ClinVar aggregate classification (germline): Uncertain significance (1 of 4 stars; one submission).

Conditions:
Cardiovascular phenotype. Identifiers: MedGen CN230736.

Submission:

Ambry Genetics
Classification: Uncertain significance for Cardiovascular phenotype. Last evaluated: 2022-06-06. Review status: criteria provided, single submitter. Criteria: Ambry Variant Classification Scheme 2023. Collection method: clinical testing. Allele origin: germline.
Comment: The p.P897T variant (also known as c.2689C>A), located in coding exon 16 of the EPHB4 gene, results from a C to A substitution at nucleotide position 2689. The proline at codon 897 is replaced by threonine, an amino acid with highly similar properties. This amino acid position is conserved. In addition, the in silico prediction for this alteration is inconclusive. Since supporting evidence is limited at this time, the clinical significance of this alteration remains unclear.

NM_004444.5(EPHB4):c.2689C>A (p.Pro897Thr)

Gene: EPHB4 (EPH receptor B4; minus strand). Cytogenetic location: 7q22.1.
Variant type: single nucleotide variant.
Coding change: c.2689C>A on transcript NM_004444.5 (MANE Select); coding-DNA position 2689, C replaced by A.
Protein change: p.Pro897Thr; replaces proline 897 with threonine.
Molecular consequence: missense variant.
Genome position (GRCh38, 1-based): chr7:100,805,311, G>T on the plus strand (C>A on the coding strand, the complement: EPHB4 is on the minus strand). VCF-style: chr7-100805311-G-T. GRCh37 (hg19) VCF-style: chr7-100402933-G-T.
Other names: short protein forms P897T.
Identifiers: ClinVar variation 1794761 (VCV001794761.2), dbSNP rs1812793677, ClinGen allele CA368566732.
Genomic context (GRCh38, chr7:100,805,311, plus strand): 5'-GAAGCCACTCGCCCACAGAGCCAAAAGCTGAGTAGTGAGGCTGCCGCTGGTCCAGGAGAG[G>T]GTGTGAGGCCCTAGGGGGCAAGGATGGGGAGGAATGCTGAGTACCAGGCCCAGGTCCGGG-3'
Protein context (NP_004435.3, residues 887-907): VARENGGASH[Pro897Thr]LLDQRQPHYS